The following is an entry in ClinVar:

ClinVar aggregate classification (germline): Pathogenic (1 of 4 stars; one submission).

Conditions:
Inborn genetic diseases. Identifiers: MedGen C0950123, MeSH D030342.

Submission:

Ambry Genetics
Classification: Pathogenic for Inborn genetic diseases. Last evaluated: 2021-02-09. Review status: criteria provided, single submitter. Criteria: Ambry Variant Classification Scheme 2023. Collection method: clinical testing. Allele origin: germline.
Comment: The c.3373-2A>C intronic alteration results from a A to C substitution two nucleotides before exon 17 (coding exon 15) of the KAT6B gene. Alterations that disrupt the canonical splice site are expected to cause aberrant splicing, resulting in an abnormal protein or a transcript that is subject to nonsense-mediated mRNA decay. Based on data from the Genome Aggregation Database (gnomAD), the KAT6B c.3373-2A>C alteration was not observed, with coverage at this position. The c.3373-2A nucleotide is conserved in available vertebrate species. In silico splice site analysis predicts that this alteration will weaken the native splice acceptor site and may result in the creation or strengthening of a novel splice acceptor site. Based on the available evidence, this alteration is classified as pathogenic.

NM_012330.4(KAT6B):c.3373-2A>C

Gene: KAT6B (lysine acetyltransferase 6B; plus strand). Cytogenetic location: 10q22.2.
Variant type: single nucleotide variant.
Coding change: c.3373-2A>C on transcript NM_012330.4 (MANE Select); the canonical splice acceptor site of the intron before coding-DNA position 3373, A replaced by C.
Molecular consequence: splice acceptor variant.
Genome position (GRCh38, 1-based): chr10:75,024,956, A>C. VCF-style: chr10-75024956-A-C. GRCh37 (hg19) VCF-style: chr10-76784714-A-C.
Other names: c.2497-2A>C (NM_001370139.1, NM_001370140.1, NM_001370141.1 and 2 more transcripts); c.3373-2A>C (NM_001370136.1, NM_001370137.1); c.2824-2A>C (NM_001370138.1, NM_001256468.2); c.1684-2A>C (NM_001370133.1); c.1288-2A>C (NM_001370134.1); c.2308-2A>C (NM_001370143.1, NM_001370144.1); c.2335-2A>C (NM_001370132.1); c.1030-2A>C (NM_001370135.1).
Identifiers: ClinVar variation 2229134 (VCV002229134.2), dbSNP rs2549182872, ClinGen allele CA377286877.